The following is an entry in ClinVar:

NM_001042492.3(NF1):c.5908_5909insTA (p.Arg1970fs)

Gene: NF1 (neurofibromin 1; plus strand). Cytogenetic location: 17q11.2.
Variant type: Insertion.
Coding change: c.5908_5909insTA on transcript NM_001042492.3 (MANE Select); coding-DNA positions 5908 to 5909, TA inserted.
Protein change: p.Arg1970fs; shifts the reading frame from arginine 1970.
Molecular consequence: frameshift variant.
Genome position: GRCh38 VCF-style: chr17-31334932-A-AAT. GRCh37 (hg19) VCF-style: chr17-29661950-A-AAT.
Other names: c.5845_5846insTA, p.Arg1949Ilefs (NM_000267.4); short protein forms R1949fs, R1970fs.
Identifiers: ClinVar variation 404569 (VCV000404569.1), dbSNP rs1060500354, ClinGen allele CA16615287.

ClinVar aggregate classification (germline): Pathogenic (1 of 4 stars; one submission).

Conditions:
Neurofibromatosis, type 1 (NF1). Also called: Neurofibromatosis, type I; NEUROFIBROMATOSIS, TYPE I, SOMATIC; Peripheral type neurofibromatosis; VON RECKLINGHAUSEN DISEASE. Identifiers: Orphanet 636, MedGen C0027831, MONDO:0018975, OMIM 162200. Disease mechanism: loss of function.

Submission:

Labcorp Genetics (formerly Invitae), Labcorp
Classification: Pathogenic for Neurofibromatosis, type 1. Last evaluated: 2016-08-08. Review status: criteria provided, single submitter. Criteria: Invitae Variant Classification Sherloc (09022015). Collection method: clinical testing. Allele origin: germline.
Comment: This sequence change inserts 2 nucleotides in exon 39 of the NF1 mRNA (c.5845_5846insTA), causing a frameshift at codon 1949. This creates a premature translational stop signal (p.Arg1949Ilefs*10) and is expected to result in an absent or disrupted protein product. While this particular variant has not been reported in the literature, loss-of-function variants in NF1 are known to be pathogenic (PMID: 10712197, 23913538). For these reasons, this variant has been classified as Pathogenic.